The following is an entry in ClinVar:

NC_000008.11:g.22994590G>A

Genes: RHOBTB2-AS1 (RHOBTB2 antisense RNA 1; minus strand), RHOBTB2 (Rho related BTB domain containing 2; plus strand). Cytogenetic location: 8p21.3.
Variant type: single nucleotide variant.
Molecular consequence: missense variant (on NM_001160036.2).
Genome position: GRCh38 VCF-style: chr8-22994590-G-A. GRCh37 (hg19) VCF-style: chr8-22852103-G-A.
Other names: c.7G>A, p.Ala3Thr (NM_001160036.2); short protein forms A3T.
Identifiers: ClinVar variation 3687732 (VCV003687732.2).

ClinVar aggregate classification (germline): Uncertain significance (1 of 4 stars; one submission).

Submission:

Labcorp Genetics (formerly Invitae), Labcorp
Classification: Uncertain significance. Last evaluated: 2024-10-21. Review status: criteria provided, single submitter. Criteria: Invitae Variant Classification Sherloc (09022015). Collection method: clinical testing. Allele origin: germline.
Comment: This sequence change replaces alanine, which is neutral and non-polar, with threonine, which is neutral and polar, at codon 3 of the RHOBTB2 protein (p.Ala3Thr). This variant is not present in population databases (gnomAD no frequency). This variant has not been reported in the literature in individuals affected with RHOBTB2-related conditions. An algorithm developed to predict the effect of missense changes on protein structure and function (PolyPhen-2) suggests that this variant is likely to be tolerated. In summary, the available evidence is currently insufficient to determine the role of this variant in disease. Therefore, it has been classified as a Variant of Uncertain Significance.